The following is an entry in ClinVar:

ClinVar aggregate classification (germline): Uncertain significance (1 of 4 stars; one submission).

Submission:

Labcorp Genetics (formerly Invitae), Labcorp
Classification: Uncertain significance. Last evaluated: 2022-07-14. Review status: criteria provided, single submitter. Criteria: Invitae Variant Classification Sherloc (09022015). Collection method: clinical testing. Allele origin: germline.
Comment: This sequence change replaces glycine, which is neutral and non-polar, with arginine, which is basic and polar, at codon 187 of the TACO1 protein (p.Gly187Arg). This variant is present in population databases (no rsID available, gnomAD 0.007%). This variant has not been reported in the literature in individuals affected with TACO1-related conditions. Algorithms developed to predict the effect of missense changes on protein structure and function are either unavailable or do not agree on the potential impact of this missense change (SIFT: "Deleterious"; PolyPhen-2: "Probably Damaging"; Align-GVGD: "Class C0"). In summary, the available evidence is currently insufficient to determine the role of this variant in disease. Therefore, it has been classified as a Variant of Uncertain Significance.

NM_016360.4(TACO1):c.559G>C (p.Gly187Arg)

Gene: TACO1 (translational activator of cytochrome c oxidase I; plus strand). Cytogenetic location: 17q23.3.
Variant type: single nucleotide variant.
Coding change: c.559G>C on transcript NM_016360.4 (MANE Select); coding-DNA position 559, G replaced by C.
Protein change: p.Gly187Arg; replaces glycine 187 with arginine.
Molecular consequence: missense variant.
Genome position (GRCh38, 1-based): chr17:63,607,330, G>C. VCF-style: chr17-63607330-G-C. GRCh37 (hg19) VCF-style: chr17-61684690-G-C.
Other names: short protein forms G187R.
Identifiers: ClinVar variation 2183898 (VCV002183898.1), dbSNP rs750709629, ClinGen allele CA292909391.